The following is an entry in ClinVar:

ClinVar aggregate classification (germline): Uncertain significance (1 of 4 stars; one submission).

Allele frequency attached by ClinVar (database versions not stated): gnomAD exomes 0.00001.
gnomAD v4.1: 10 of 1,614,134 alleles (0.00062%); highest among the groups gnomAD compares: Non-Finnish European, 0.00085%; no homozygotes.

Submission:

Labcorp Genetics (formerly Invitae), Labcorp
Classification: Uncertain significance. Last evaluated: 2022-02-22. Review status: criteria provided, single submitter. Criteria: Invitae Variant Classification Sherloc (09022015). Collection method: clinical testing. Allele origin: germline.
Comment: This variant is not present in population databases (gnomAD no frequency). This sequence change replaces glutamic acid, which is acidic and polar, with lysine, which is basic and polar, at codon 1509 of the DMXL2 protein (p.Glu1509Lys). This variant has not been reported in the literature in individuals affected with DMXL2-related conditions. Algorithms developed to predict the effect of missense changes on protein structure and function are either unavailable or do not agree on the potential impact of this missense change (SIFT: "Tolerated"; PolyPhen-2: "Probably Damaging"; Align-GVGD: "Class C0"). In summary, the available evidence is currently insufficient to determine the role of this variant in disease. Therefore, it has been classified as a Variant of Uncertain Significance.

NM_001378457.1(DMXL2):c.4525G>A (p.Glu1509Lys)

Gene: DMXL2 (Dmx like 2; minus strand). Cytogenetic location: 15q21.2.
Variant type: single nucleotide variant.
Coding change: c.4525G>A on transcript NM_001378457.1 (MANE Select); coding-DNA position 4525, G replaced by A.
Protein change: p.Glu1509Lys; replaces glutamic acid 1509 with lysine.
Molecular consequence: missense variant. On other transcripts: non-coding transcript variant (2), intron variant (2).
Genome position (GRCh38, 1-based): chr15:51,498,699, C>T on the plus strand (G>A on the coding strand, the complement: DMXL2 is on the minus strand). VCF-style: chr15-51498699-C-T. GRCh37 (hg19) VCF-style: chr15-51790896-C-T.
Other names: c.4525G>A, p.Glu1509Lys (NM_001174116.3, NM_001378458.1, NM_001378459.1 and 4 more transcripts); c.4285G>A, p.Glu1429Lys (NM_001378464.1); c.2765-6952G>A (NM_001378460.1); c.2765-3565G>A (NM_001174117.3); short protein forms E1509K, E1429K.
Identifiers: ClinVar variation 1906947 (VCV001906947.5), dbSNP rs1789387242, ClinGen allele CA392431459.
Genomic context (GRCh38, chr15:51,498,699, plus strand): 5'-AACGGGTAAGGCCTGGTAGACTTGAGTGCATAAGATGACTTGAAAGTACCCTTGCATGTT[C>T]TTGGCCAAAGTAAGCTGGTCCATATTGAGAAAGATTTATTACTTTTGATTTGTTTTCTCT-3'
Protein context (NP_001365386.1, residues 1499-1519): SQYGPAYFGQ[Glu1509Lys]HARVLSSHLM